The following is an entry in ClinVar:

ClinVar aggregate classification (germline): Uncertain significance (1 of 4 stars; one submission).

Conditions:
Developmental delay, hypotonia, and impaired language (DEDHIL). Identifiers: MedGen C5774202, MONDO:0859280, OMIM 620012.

gnomAD v4.1: 22 of 1,613,616 alleles (0.0014%); highest among the groups gnomAD compares: African/African-American, 0.004%; no homozygotes.

Submission:

OLLIN Analises Genomicas, OLLIN
Classification: Uncertain significance for Developmental delay, hypotonia, and impaired language. Last evaluated: 2026-08-06. Review status: criteria provided, single submitter. Criteria: ACMG Guidelines 2015 PMID 25741868. Collection method: clinical testing. Allele origin: germline. Inheritance: Autosomal dominant inheritance.
Comment: This missense variant, located in exon 14 (of 14), has been observed in gnomAD with an allele frequency of 0.0014%, but has not been reported in ClinVar or identified in the literature. In silico analysis is inconclusive regarding the impact of this variant. This gene is constrained for missense variation. According to the currently available evidence, this variant has been classified as uncertain significance (PP2, BS2).

NM_001349798.2(FBXW7):c.1958C>T (p.Thr653Met)

Gene: FBXW7 (F-box and WD repeat domain containing 7; minus strand). Cytogenetic location: 4q31.3.
Variant type: single nucleotide variant.
Coding change: c.1958C>T on transcript NM_001349798.2 (MANE Select); coding-DNA position 1958, C replaced by T.
Protein change: p.Thr653Met; replaces threonine 653 with methionine.
Molecular consequence: missense variant.
Genome position (GRCh38, 1-based): chr4:152,323,047, G>A on the plus strand (C>T on the coding strand, the complement: FBXW7 is on the minus strand). VCF-style: chr4-152323047-G-A. GRCh37 (hg19) VCF-style: chr4-153244199-G-A.
Other names: c.1604C>T, p.Thr535Met (NM_001013415.2); c.1718C>T, p.Thr573Met (NM_018315.5); c.1958C>T, p.Thr653Met (NM_033632.3); short protein forms T535M, T653M, T573M.
Identifiers: ClinVar variation 5002921 (VCV005002921.1).